The following is an entry in ClinVar:

ClinVar aggregate classification (germline): Likely pathogenic (1 of 4 stars; one submission).

Conditions:
Microphthalmia, syndromic 12 (MCOPS12). Also called: MICROPHTHALMIA WITH OR WITHOUT PULMONARY HYPOPLASIA, DIAPHRAGMATIC HERNIA, AND/OR CARDIAC DEFECTS. Identifiers: Orphanet 2470, Orphanet 689829, MedGen C3809803, MONDO:0014229, OMIM 615524.

Submission:

Juno Genomics, Hangzhou Juno Genomics, Inc
Classification: Likely pathogenic for Microphthalmia, syndromic 12. Review status: criteria provided, single submitter. Criteria: ACMG Guidelines, 2015. Collection method: clinical testing. Allele origin: germline.
Comment: Null variant in a gene where loss of function (LOF) is a known mechanism of disease.;Absent from controls (or at extremely low frequency if recessive) in Genome Aggregation Database.

NM_000965.5(RARB):c.774C>A (p.Cys258Ter)

Gene: RARB (retinoic acid receptor beta; plus strand). Cytogenetic location: 3p24.2.
Variant type: single nucleotide variant.
Coding change: c.774C>A on transcript NM_000965.5 (MANE Select); coding-DNA position 774, C replaced by A.
Protein change: p.Cys258Ter; replaces cysteine 258 with a stop codon.
Molecular consequence: nonsense. On other transcripts: non-coding transcript variant (2).
Genome position (GRCh38, 1-based): chr3:25,580,710, C>A. VCF-style: chr3-25580710-C-A. GRCh37 (hg19) VCF-style: chr3-25622201-C-A.
Other names: c.795C>A, p.Cys265Ter (NM_001290216.3); c.438C>A, p.Cys146Ter (NM_001290217.2, NM_001290276.2, NM_016152.4); c.627C>A, p.Cys209Ter (NM_001290266.2); c.774C>A, p.Cys258Ter (NM_001290277.1); c.645C>A, p.Cys215Ter (NM_001290300.2); short protein forms C146*, C258*, C265*, C209*, C215*.
Identifiers: ClinVar variation 5006603 (VCV005006603.2).